The following is an entry in ClinVar:

ClinVar aggregate classification (germline): Likely benign (0 of 4 stars; one submission).

Conditions:
PCSK1-related disorder. Also called: PCSK1-related condition.

gnomAD v4.1: 3 of 1,613,940 alleles (0.00019%); highest among the groups gnomAD compares: Non-Finnish European, 0.00025%; no homozygotes.

Submission:

PreventionGenetics, part of Exact Sciences
Classification: Likely benign for PCSK1-related condition. Last evaluated: 2023-01-26. Review status: no assertion criteria provided. Collection method: clinical testing. Allele origin: germline.
Comment: This variant is classified as likely benign based on ACMG/AMP sequence variant interpretation guidelines (Richards et al. 2015 PMID: 25741868, with internal and published modifications).

NM_000439.5(PCSK1):c.972C>T (p.Asp324=)

Genes: CAST (calpastatin; plus strand), PCSK1 (proprotein convertase subtilisin/kexin type 1; minus strand), LOC101929710 (uncharacterized LOC101929710; plus strand). Cytogenetic location: 5q15.
Variant type: single nucleotide variant.
Coding change: c.972C>T on transcript NM_000439.5 (MANE Select); coding-DNA position 972, C replaced by T.
Protein change: p.Asp324=; no amino-acid change (aspartic acid 324 retained).
Molecular consequence: synonymous variant. On other transcripts: intron variant (11).
Genome position (GRCh38, 1-based): chr5:96,410,897, G>A on the plus strand (C>T on the coding strand, the complement: PCSK1 is on the minus strand). VCF-style: chr5-96410897-G-A. GRCh37 (hg19) VCF-style: chr5-95746601-G-A.
Other names: c.831C>T, p.Asp277= (NM_001177875.2); c.-175+31245G>A (NM_001423254.1, NM_001423259.1, NM_001423255.1 and 6 more transcripts); c.-103+31245G>A (NM_001423253.1); c.-40+31245G>A (NM_001423258.1).
Identifiers: ClinVar variation 3353580 (VCV003353580.1).